The following is an entry in ClinVar:

NM_002775.5(HTRA1):c.971A>T (p.Asn324Ile)

Gene: HTRA1 (HtrA serine peptidase 1; plus strand). Cytogenetic location: 10q26.13.
Variant type: single nucleotide variant.
Coding change: c.971A>T on transcript NM_002775.5 (MANE Select); coding-DNA position 971, A replaced by T.
Protein change: p.Asn324Ile; replaces asparagine 324 with isoleucine.
Molecular consequence: missense variant.
Genome position (GRCh38, 1-based): chr10:122,506,884, A>T. VCF-style: chr10-122506884-A-T. GRCh37 (hg19) VCF-style: chr10-124266400-A-T.
Other names: short protein forms N324I.
Identifiers: ClinVar variation 4797840 (VCV004797840.1).

ClinVar aggregate classification (germline): Uncertain significance (1 of 4 stars; one submission).

gnomAD v4.1: 1 of 1,613,320 alleles (0.000062%); highest among the groups gnomAD compares: Non-Finnish European, 0.000085%; no homozygotes.

Submission:

Labcorp Genetics (formerly Invitae), Labcorp
Classification: Uncertain significance. Last evaluated: 2025-04-09. Review status: criteria provided, single submitter. Criteria: Invitae Variant Classification Sherloc (09022015). Collection method: clinical testing. Allele origin: germline.
Comment: This sequence change replaces asparagine, which is neutral and polar, with isoleucine, which is neutral and non-polar, at codon 324 of the HTRA1 protein (p.Asn324Ile). This variant is not present in population databases (gnomAD no frequency). This variant has not been reported in the literature in individuals affected with HTRA1-related conditions. Invitae Evidence Modeling of protein sequence and biophysical properties (such as structural, functional, and spatial information, amino acid conservation, physicochemical variation, residue mobility, and thermodynamic stability) indicates that this missense variant is expected to disrupt HTRA1 protein function with a positive predictive value of 95%. This variant disrupts the p.Asn324 amino acid residue in HTRA1. Other variant(s) that disrupt this residue have been observed in individuals with HTRA1-related conditions (PMID: 29895533, 32895092, 33109952), which suggests that this may be a clinically significant amino acid residue. In summary, the available evidence is currently insufficient to determine the role of this variant in disease. Therefore, it has been classified as a Variant of Uncertain Significance.

Literature cited by the submitters: PubMed 29895533; PubMed 32895092; PubMed 33109952.